The following is an entry in ClinVar:

ClinVar aggregate classification (germline): Conflicting classifications of pathogenicity. Review status: criteria provided, conflicting classifications (1 of 4 stars). 3 submissions from 3 submitters: Uncertain significance (1); Likely benign (2). Last evaluated 2025-08-31.

Conditions:
Cardiovascular phenotype. Identifiers: MedGen CN230736.
RASopathy. Also called: rasopathies; Noonan spectrum disorder. Identifiers: Orphanet 536391, MedGen C5555857, MONDO:0021060.

Allele frequency attached by ClinVar (database versions not stated): gnomAD exomes 0.00001 and 0.00002; ExAC 0.00001.

Submissions (3):

Labcorp Genetics (formerly Invitae), Labcorp
Classification: Uncertain significance for RASopathy. Last evaluated: 2025-08-31. Review status: criteria provided, single submitter. Criteria: Invitae Variant Classification Sherloc (09022015). Collection method: clinical testing. Allele origin: germline.
Comment: This sequence change replaces asparagine, which is neutral and polar, with serine, which is neutral and polar, at codon 446 of the SHOC2 protein (p.Asn446Ser). This variant is present in population databases (rs730881017, gnomAD 0.03%). This variant has not been reported in the literature in individuals affected with SHOC2-related conditions. ClinVar contains an entry for this variant (Variation ID: 40639). Invitae Evidence Modeling of protein sequence and biophysical properties (such as structural, functional, and spatial information, amino acid conservation, physicochemical variation, residue mobility, and thermodynamic stability) indicates that this missense variant is not expected to disrupt SHOC2 protein function with a negative predictive value of 80%. In summary, the available evidence is currently insufficient to determine the role of this variant in disease. Therefore, it has been classified as a Variant of Uncertain Significance.

Ambry Genetics
Classification: Likely benign for Cardiovascular phenotype. Last evaluated: 2025-01-24. Review status: criteria provided, single submitter. Criteria: Ambry Variant Classification Scheme 2023. Collection method: clinical testing. Allele origin: germline.

GeneDx
Classification: Likely benign. Last evaluated: 2012-07-19. Review status: criteria provided, single submitter. Criteria: GeneDx Variant Classification (06012015). Collection method: clinical testing. Allele origin: germline. Affected: yes.
Comment: This variant is considered likely benign or benign based on one or more of the following criteria: it is a conservative change, it occurs at a poorly conserved position in the protein, it is predicted to be benign by multiple in silico algorithms, and/or has population frequency not consistent with disease.

NM_007373.4(SHOC2):c.1337A>G (p.Asn446Ser)

Gene: SHOC2 (SHOC2 leucine rich repeat scaffold protein; plus strand). Cytogenetic location: 10q25.2.
Variant type: single nucleotide variant.
Coding change: c.1337A>G on transcript NM_007373.4 (MANE Select); coding-DNA position 1337, A replaced by G.
Protein change: p.Asn446Ser; replaces asparagine 446 with serine.
Molecular consequence: missense variant. On other transcripts: non-coding transcript variant (1).
Genome position (GRCh38, 1-based): chr10:111,009,300, A>G. VCF-style: chr10-111009300-A-G. GRCh37 (hg19) VCF-style: chr10-112769058-A-G.
Other names: p.N446S:AAC>AGC; c.1199A>G, p.Asn400Ser (NM_001269039.3); c.1337A>G, p.Asn446Ser (NM_001324336.2, NM_001324337.2); short protein forms N446S, N400S.
Identifiers: ClinVar variation 40639 (VCV000040639.5), dbSNP rs730881017, ClinGen allele CA297165.